The following is an entry in ClinVar:

NM_000018.4(ACADVL):c.1060G>A (p.Gly354Ser)

Gene: ACADVL (acyl-CoA dehydrogenase very long chain; plus strand). Cytogenetic location: 17p13.1.
Variant type: single nucleotide variant.
Coding change: c.1060G>A on transcript NM_000018.4 (MANE Select); coding-DNA position 1060, G replaced by A.
Protein change: p.Gly354Ser; replaces glycine 354 with serine.
Molecular consequence: missense variant.
Genome position (GRCh38, 1-based): chr17:7,222,848, G>A. VCF-style: chr17-7222848-G-A. GRCh37 (hg19) VCF-style: chr17-7126167-G-A.
Other names: c.994G>A, p.Gly332Ser (NM_001033859.3); c.1129G>A, p.Gly377Ser (NM_001270447.2); c.832G>A, p.Gly278Ser (NM_001270448.2); short protein forms G377S, G354S, G278S, G332S.
Identifiers: ClinVar variation 3684558 (VCV003684558.2).
Genomic context (GRCh38, chr17:7,222,848, plus strand): 5'-ATGCACATCCTCAACAATGGAAGGTTTGGCATGGCTGCGGCCCTGGCAGGTACCATGAGA[G>A]GCATCATTGCTAAGGCGGTGAGTACCCTGCCCGAGTCCCTAGGTAACCCAAACAGAAGTC-3'
Protein context (NP_000009.1, residues 344-364): MAAALAGTMR[Gly354Ser]IIAKAVDHAT

ClinVar aggregate classification (germline): Uncertain significance (1 of 4 stars; one submission).

Conditions:
Very long chain acyl-CoA dehydrogenase deficiency (ACADVLD). Also called: Very Long-Chain Acyl-Coenzyme A Dehydrogenase Deficiency; VLCAD Deficiency. Identifiers: Orphanet 26793, MedGen C3887523, MONDO:0008723, OMIM 201475.

Submission:

Labcorp Genetics (formerly Invitae), Labcorp
Classification: Uncertain significance for Very long chain acyl-CoA dehydrogenase deficiency. Last evaluated: 2024-09-02. Review status: criteria provided, single submitter. Criteria: Invitae Variant Classification Sherloc (09022015). Collection method: clinical testing. Allele origin: germline.
Comment: This sequence change replaces glycine, which is neutral and non-polar, with serine, which is neutral and polar, at codon 354 of the ACADVL protein (p.Gly354Ser). This variant is not present in population databases (gnomAD no frequency). This variant has not been reported in the literature in individuals affected with ACADVL-related conditions. An algorithm developed to predict the effect of missense changes on protein structure and function outputs the following: PolyPhen-2: "Benign". The serine amino acid residue is found in multiple mammalian species, which suggests that this missense change does not adversely affect protein function. In summary, the available evidence is currently insufficient to determine the role of this variant in disease. Therefore, it has been classified as a Variant of Uncertain Significance.